The following is an entry in ClinVar:

ClinVar aggregate classification (germline): Uncertain significance (1 of 4 stars; one submission).

Allele frequency attached by ClinVar (database versions not stated): gnomAD exomes below 0.00001; ExAC 0.00001; gnomAD 0.00001; TOPMed 0.00001.
gnomAD v4.1: 4 of 1,522,336 alleles (0.00026%); highest among the groups gnomAD compares: Admixed American, 0.0052%; no homozygotes.

Submission:

Institute for Clinical Genetics, University Hospital TU Dresden, University Hospital TU Dresden
Classification: Uncertain significance. Last evaluated: 2023-07-13. Review status: criteria provided, single submitter. Criteria: ACMG Guidelines, 2015. Collection method: clinical testing. Allele origin: germline.
Comment: PM2_SUP

NM_021023.6(CFHR3):c.844T>G (p.Leu282Val)

Gene: CFHR3 (complement factor H related 3; plus strand). Cytogenetic location: 1q31.3.
Variant type: single nucleotide variant.
Coding change: c.844T>G on transcript NM_021023.6 (MANE Select); coding-DNA position 844, T replaced by G.
Protein change: p.Leu282Val; replaces leucine 282 with valine.
Molecular consequence: missense variant.
Genome position (GRCh38, 1-based): chr1:196,793,364, T>G. VCF-style: chr1-196793364-T-G. GRCh37 (hg19) VCF-style: chr1-196762494-T-G.
Other names: c.661T>G, p.Leu221Val (NM_001166624.2); short protein forms L221V, L282V.
Identifiers: ClinVar variation 2576114 (VCV002576114.1), dbSNP rs765053679, ClinGen allele CA1306306.